The following is an entry in ClinVar:

ClinVar aggregate classification (germline): Likely benign. Review status: criteria provided, single submitter (1 of 4 stars). 2 submissions from 2 submitters: Likely benign (1). 1 of the submissions does not count toward it. Last evaluated 2025-12-31.

Conditions:
NOBOX-related disorder. Also called: NOBOX-related condition.
Inborn genetic diseases. Identifiers: MedGen C0950123, MeSH D030342.

gnomAD v4.1: 31 of 1,536,874 alleles (0.002%); highest among the groups gnomAD compares: Admixed American, 0.0059%; 1 homozygote.

Submissions (2):

Ambry Genetics
Classification: Likely benign for Inborn genetic diseases. Last evaluated: 2025-12-31. Review status: criteria provided, single submitter. Criteria: Ambry Variant Classification Scheme 2023. Collection method: clinical testing. Allele origin: germline.

PreventionGenetics, part of Exact Sciences
Classification: Likely benign for NOBOX-related condition. Last evaluated: 2019-09-06. Review status: no assertion criteria provided. Collection method: clinical testing. Allele origin: germline. Not counted in ClinVar's aggregate classification.
Comment: This variant is classified as likely benign based on ACMG/AMP sequence variant interpretation guidelines (Richards et al. 2015 PMID: 25741868, with internal and published modifications).

NM_001436401.1(NOBOX):c.1476G>A (p.Pro492=)

Gene: NOBOX (NOBOX oogenesis homeobox; minus strand). Cytogenetic location: 7q35.
Variant type: single nucleotide variant.
Coding change: c.1476G>A on transcript NM_001436401.1 (MANE Select); coding-DNA position 1476, G replaced by A.
Protein change: p.Pro492=; no amino-acid change (proline 492 retained).
Molecular consequence: synonymous variant.
Genome position (GRCh38, 1-based): chr7:144,397,489, C>T on the plus strand (G>A on the coding strand, the complement: NOBOX is on the minus strand). VCF-style: chr7-144397489-C-T. GRCh37 (hg19) VCF-style: chr7-144094582-C-T.
Other names: NM_001080413.3:c.1827G>A; c.924G>A, p.Pro308= (NM_001436402.1).
Identifiers: ClinVar variation 3357497 (VCV003357497.2).
Genomic context (GRCh38, chr7:144,397,489, plus strand): 5'-AAATAGATCAGGAAAGTAGCCATCCCCTCCTGGGGGATGCCCCAGAGCTTGTGGGCAGAA[C>T]GGACCAGGGAAGGGCAGCTCTGGCAAACAGGGGTCACTCCAGGAGGCTGTACCTGTGGGG-3'
Protein context (NP_001423330.1, residues 482-502): PCLPELPFPG[Pro492=]FCPQALGHPP